The following is an entry in ClinVar:

NM_001165963.4(SCN1A):c.2288T>C (p.Leu763Pro)

Gene: SCN1A (sodium voltage-gated channel alpha subunit 1; minus strand). Cytogenetic location: 2q24.3.
Variant type: single nucleotide variant.
Coding change: c.2288T>C on transcript NM_001165963.4 (MANE Select); coding-DNA position 2288, T replaced by C.
Protein change: p.Leu763Pro; replaces leucine 763 with proline.
Molecular consequence: missense variant. On other transcripts: 5 prime UTR variant (1), non-coding transcript variant (1).
Genome position (GRCh38, 1-based): chr2:166,041,358, A>G on the plus strand (T>C on the coding strand, the complement: SCN1A is on the minus strand). VCF-style: chr2-166041358-A-G. GRCh37 (hg19) VCF-style: chr2-166897868-A-G.
Other names: c.2204T>C, p.Leu735Pro (NM_001165964.3, NM_001353957.2, NM_001353958.2); c.2288T>C, p.Leu763Pro (NM_001202435.3, NM_001353948.2); c.2255T>C, p.Leu752Pro (NM_001353949.2, NM_001353950.2, NM_001353951.2 and 2 more transcripts); c.2252T>C, p.Leu751Pro (NM_001353954.2, NM_001353955.2); c.2201T>C, p.Leu734Pro (NM_001353960.2); c.-171T>C (NM_001353961.2); short protein forms L751P, L734P, L752P, L763P, L735P.
Identifiers: ClinVar variation 3703600 (VCV003703600.2).
Genomic context (GRCh38, chr2:166,041,358, plus strand): 5'-AGAGTATTTAAGACAATACAGATGGTGATGGCCAGGTCAACAAATGGGTCCATCACAACC[A>G]GGTTGACAACATGTTTCACTTTTAACCAATATGGAGAACAGTCCCAGATTAAGAATATGT-3'
Protein context (NP_001159435.1, residues 753-773): YWLKVKHVVN[Leu763Pro]VVMDPFVDLA

ClinVar aggregate classification (germline): Uncertain significance (1 of 4 stars; one submission).

Conditions:
Early-infantile DEE. Also called: Early infantile epileptic encephalopathy with suppression bursts; Early infantile epileptic encephalopathy; Ohtahara syndrome. Identifiers: Orphanet 1934, MedGen C0393706, MONDO:0800491.

Submission:

Labcorp Genetics (formerly Invitae), Labcorp
Classification: Uncertain significance for Early-infantile DEE. Last evaluated: 2024-03-16. Review status: criteria provided, single submitter. Criteria: Invitae Variant Classification Sherloc (09022015). Collection method: clinical testing. Allele origin: germline.
Comment: This sequence change replaces leucine, which is neutral and non-polar, with proline, which is neutral and non-polar, at codon 763 of the SCN1A protein (p.Leu763Pro). This variant is not present in population databases (gnomAD no frequency). This variant has not been reported in the literature in individuals affected with SCN1A-related conditions. Advanced modeling of protein sequence and biophysical properties (such as structural, functional, and spatial information, amino acid conservation, physicochemical variation, residue mobility, and thermodynamic stability) performed at Invitae indicates that this missense variant is expected to disrupt SCN1A protein function with a positive predictive value of 95%. In summary, the available evidence is currently insufficient to determine the role of this variant in disease. Therefore, it has been classified as a Variant of Uncertain Significance.